The following is an entry in ClinVar:

ClinVar aggregate classification (germline): Likely benign (1 of 4 stars; one submission).

Submission:

GeneDx
Classification: Likely benign. Last evaluated: 2018-06-14. Review status: criteria provided, single submitter. Criteria: GeneDx Variant Classification (06012015). Collection method: clinical testing. Allele origin: germline. Affected: yes.
Comment: This variant is considered likely benign or benign based on one or more of the following criteria: it is a conservative change, it occurs at a poorly conserved position in the protein, it is predicted to be benign by multiple in silico algorithms, and/or has population frequency not consistent with disease.

NM_002880.4(RAF1):c.835-53dup

Gene: RAF1 (Raf-1 proto-oncogene, serine/threonine kinase; minus strand). Cytogenetic location: 3p25.2.
Variant type: Duplication.
Coding change: c.835-53dup on transcript NM_002880.4 (MANE Select); 53 bases into the intron before coding-DNA position 835, one base duplicated (C; older notation c.835-53dupC).
Molecular consequence: intron variant.
Genome position (GRCh38, 1-based): chr3:12,600,468, G duplicated on the plus strand (C on the coding strand, the reverse complement: RAF1 is on the minus strand); the first of 5 consecutive G bases (chr3:12,600,468-12,600,472); duplicating any one gives the same sequence. VCF-style (leftmost placement, unchanged base first): chr3-12600467-T-TG. GRCh37 (hg19) VCF-style: chr3-12641966-T-TG.
Other names: c.835-53_835-52insC (NM_002880.3); c.493-53dup (NM_001354695.3); c.592-53dup (NM_001354692.3, NM_001354691.3); c.652-53dup (NM_001354694.3); c.736-53dup (NM_001354693.3); c.895-53dup (NM_001354689.3); c.835-53dup (NM_001354690.3).
Identifiers: ClinVar variation 561438 (VCV000561438.1), dbSNP rs5746218, ClinGen allele CA2259673.
Genomic context (GRCh38, chr3:12,600,467, plus strand): 5'-AATTGCATCCTGAAACAGAAAAGGAAAGCTGGTCAACTCCTACACACAAAAGATTTTCTC[T>TG]GGGGGAGGGAAAAAAGAGGAGGAGGATGTGCAAGAACAAAATAGATTATAAAAACCTCTA-3'